The following is an entry in ClinVar:

NM_006059.4(LAMC3):c.2897G>A (p.Arg966Lys)

Gene: LAMC3 (laminin subunit gamma 3; plus strand). Cytogenetic location: 9q34.12.
Variant type: single nucleotide variant.
Coding change: c.2897G>A on transcript NM_006059.4 (MANE Select); coding-DNA position 2897, G replaced by A.
Protein change: p.Arg966Lys; replaces arginine 966 with lysine.
Molecular consequence: missense variant.
Genome position (GRCh38, 1-based): chr9:131,069,678, G>A. VCF-style: chr9-131069678-G-A. GRCh37 (hg19) VCF-style: chr9-133945065-G-A.
Other names: c.2897G>A (NM_006059.3); short protein forms R966K.
Identifiers: ClinVar variation 2834639 (VCV002834639.4), dbSNP rs1428572939, ClinGen allele CA375255231.

ClinVar aggregate classification (germline): Uncertain significance. Review status: criteria provided, multiple submitters, no conflicts (2 of 4 stars). 2 submissions from 2 submitters: Uncertain significance (2). Last evaluated 2024-01-29.

Conditions:
Inborn genetic diseases. Identifiers: MedGen C0950123, MeSH D030342.

gnomAD v4.1: 1 of 1,566,410 alleles (0.000064%); highest among the groups gnomAD compares: Non-Finnish European, 0.000086%; no homozygotes.

Submissions (2):

Ambry Genetics
Classification: Uncertain significance for Inborn genetic diseases. Last evaluated: 2024-01-29. Review status: criteria provided, single submitter. Criteria: Ambry Variant Classification Scheme 2023. Collection method: clinical testing. Allele origin: germline.

Labcorp Genetics (formerly Invitae), Labcorp
Classification: Uncertain significance. Last evaluated: 2023-02-04. Review status: criteria provided, single submitter. Criteria: Invitae Variant Classification Sherloc (09022015). Collection method: clinical testing. Allele origin: germline.
Comment: This sequence change replaces arginine, which is basic and polar, with lysine, which is basic and polar, at codon 966 of the LAMC3 protein (p.Arg966Lys). This variant is not present in population databases (gnomAD no frequency). This variant has not been reported in the literature in individuals affected with LAMC3-related conditions. Algorithms developed to predict the effect of missense changes on protein structure and function output the following: SIFT: "Tolerated"; PolyPhen-2: "Benign"; Align-GVGD: "Class C0". The lysine amino acid residue is found in multiple mammalian species, which suggests that this missense change does not adversely affect protein function. In summary, the available evidence is currently insufficient to determine the role of this variant in disease. Therefore, it has been classified as a Variant of Uncertain Significance.